The following is an entry in ClinVar:

ClinVar aggregate classification (germline): Uncertain significance. Review status: criteria provided, multiple submitters, no conflicts (2 of 4 stars). 2 submissions from 2 submitters: Uncertain significance (2). Last evaluated 2025-08-23.

Allele frequency attached by ClinVar (database versions not stated): gnomAD 0.00001; ExAC 0.00002.

Submissions (2):

Ambry Genetics
Classification: Uncertain significance. Last evaluated: 2025-08-23. Review status: criteria provided, single submitter. Criteria: Ambry Variant Classification Scheme 2023. Collection method: clinical testing. Allele origin: germline.

Labcorp Genetics (formerly Invitae), Labcorp
Classification: Uncertain significance. Last evaluated: 2024-06-29. Review status: criteria provided, single submitter. Criteria: Invitae Variant Classification Sherloc (09022015). Collection method: clinical testing. Allele origin: germline.
Comment: This sequence change replaces aspartic acid, which is acidic and polar, with asparagine, which is neutral and polar, at codon 61 of the LRRC10 protein (p.Asp61Asn). This variant is present in population databases (rs775173428, gnomAD 0.01%). This variant has not been reported in the literature in individuals affected with LRRC10-related conditions. Algorithms developed to predict the effect of missense changes on protein structure and function output the following: SIFT: "Not Available"; PolyPhen-2: "Benign"; Align-GVGD: "Not Available". The asparagine amino acid residue is found in multiple mammalian species, which suggests that this missense change does not adversely affect protein function. In summary, the available evidence is currently insufficient to determine the role of this variant in disease. Therefore, it has been classified as a Variant of Uncertain Significance.

NM_201550.4(LRRC10):c.181G>A (p.Asp61Asn)

Gene: LRRC10 (leucine rich repeat containing 10; minus strand). Cytogenetic location: 12q15.
Variant type: single nucleotide variant.
Coding change: c.181G>A on transcript NM_201550.4 (MANE Select); coding-DNA position 181, G replaced by A.
Protein change: p.Asp61Asn; replaces aspartic acid 61 with asparagine.
Molecular consequence: missense variant.
Genome position (GRCh38, 1-based): chr12:69,610,658, C>T on the plus strand (G>A on the coding strand, the complement: LRRC10 is on the minus strand). VCF-style: chr12-69610658-C-T. GRCh37 (hg19) VCF-style: chr12-70004438-C-T.
Other names: c.181G>A (NM_201550.2); short protein forms D61N.
Identifiers: ClinVar variation 2737920 (VCV002737920.4), dbSNP rs775173428, ClinGen allele CA6681117.